The following is an entry in ClinVar:

NM_000089.4(COL1A2):c.1621G>A (p.Gly541Ser)

Gene: COL1A2 (collagen type I alpha 2 chain; plus strand). Cytogenetic location: 7q21.3.
Variant type: single nucleotide variant.
Coding change: c.1621G>A on transcript NM_000089.4 (MANE Select); coding-DNA position 1621, G replaced by A.
Protein change: p.Gly541Ser; replaces glycine 541 with serine.
Molecular consequence: missense variant.
Genome position (GRCh38, 1-based): chr7:94,413,903, G>A. VCF-style: chr7-94413903-G-A. GRCh37 (hg19) VCF-style: chr7-94043215-G-A.
Other names: short protein forms G541S.
Identifiers: ClinVar variation 4856306 (VCV004856306.1).

ClinVar aggregate classification (germline): Likely pathogenic (1 of 4 stars; one submission).

Conditions:
COL1A2-related disorder. Also called: COL1A2-related condition; COL1A2-Related Disorders.

Submission:

3billion
Classification: Likely pathogenic for COL1A2-related disorder. Last evaluated: 2025-12-17. Review status: criteria provided, single submitter. Criteria: ACMG Guidelines, 2015. Collection method: clinical testing. Allele origin: germline. Affected: yes.
Comment: The variant is not observed in the gnomAD v4.1.0 dataset. Predicted Consequence/Location: The variant is located in a mutational hot spot and/or well-established functional domain in which established pathogenic variants have been reported (PMID: 9016532, 17078022). Missense variant. Missense changes are a common disease-causing mechanism. In silico tool predictions suggest damaging effect of the variant on gene or gene product [REVEL: 0.98 (>=0.6, sensitivity 0.68 and specificity 0.92); 3Cnet: 0.99 (> 0.75, sensitivity 0.96 and precision 0.92)]. A different missense change at the same codon (p.Gly541Cys) has been reported to be associated with COL1A2-related disorder (PMID: 17078022). Therefore, this variant is classified as Likely pathogenic according to the recommendation of ACMG/AMP guideline.

Literature cited by the submitters: PubMed 17078022.